The following is an entry in ClinVar:

NM_001368809.2(AMPD2):c.1522C>G (p.Arg508Gly)

Genes: AMPD2 (adenosine monophosphate deaminase 2; plus strand), LOC126805822 (BRD4-independent group 4 enhancer GRCh37_chr1:110170748-110171947; plus strand). Cytogenetic location: 1p13.3.
Variant type: single nucleotide variant.
Coding change: c.1522C>G on transcript NM_001368809.2 (MANE Select); coding-DNA position 1522, C replaced by G.
Protein change: p.Arg508Gly; replaces arginine 508 with glycine.
Molecular consequence: missense variant.
Genome position (GRCh38, 1-based): chr1:109,628,757, C>G. VCF-style: chr1-109628757-C-G. GRCh37 (hg19) VCF-style: chr1-110171379-C-G.
Other names: c.1330C>G, p.Arg444Gly (NM_001257361.2); c.1459C>G, p.Arg487Gly (NM_001308170.1); c.1522C>G, p.Arg508Gly (NM_004037.9); c.1441C>G, p.Arg481Gly (NM_139156.4); short protein forms R444G, R487G, R481G, R508G.
Identifiers: ClinVar variation 1514550 (VCV001514550.6), dbSNP rs146798795, ClinGen allele CA341559181.
Genomic context (GRCh38, chr1:109,628,757, plus strand): 5'-TCCATTTACGGGCGCTCGAGGGATGAGTGGGACAAGCTGGCGCGCTGGGCCGTCATGCAC[C>G]GCGTGCACTCCCCCAACGTGCGCTGGCTGGTGCAGGTGCCCCGCCTCTTGTGAGTGTCCC-3'
Protein context (NP_001355738.1, residues 498-518): DKLARWAVMH[Arg508Gly]VHSPNVRWLV

ClinVar aggregate classification (germline): Uncertain significance (1 of 4 stars; one submission).

Conditions:
Hereditary spastic paraplegia 63. Also called: Spastic paraplegia 63, autosomal recessive. Identifiers: Orphanet 401805, MedGen C3810295, MONDO:0014305, OMIM 615686.
Pontocerebellar hypoplasia type 9. Identifiers: Orphanet 369920, MedGen C4014354, MONDO:0014351, OMIM 615809.

Submission:

Labcorp Genetics (formerly Invitae), Labcorp
Classification: Uncertain significance for Pontocerebellar hypoplasia type 9; Hereditary spastic paraplegia 63. Last evaluated: 2022-03-08. Review status: criteria provided, single submitter. Criteria: Invitae Variant Classification Sherloc (09022015). Collection method: clinical testing. Allele origin: germline.
Comment: In summary, the available evidence is currently insufficient to determine the role of this variant in disease. Therefore, it has been classified as a Variant of Uncertain Significance. Algorithms developed to predict the effect of missense changes on protein structure and function (SIFT, PolyPhen-2, Align-GVGD) all suggest that this variant is likely to be tolerated. This variant has not been reported in the literature in individuals affected with AMPD2-related conditions. This variant is not present in population databases (gnomAD no frequency). This sequence change replaces arginine, which is basic and polar, with glycine, which is neutral and non-polar, at codon 562 of the AMPD2 protein (p.Arg562Gly).